The following is an entry in ClinVar:

NM_000169.3(GLA):c.275A>G (p.Asp92Gly)

Genes: GLA (galactosidase alpha; minus strand), RPL36A-HNRNPH2 (RPL36A-HNRNPH2 readthrough; plus strand). Cytogenetic location: Xq22.1.
Variant type: single nucleotide variant.
Coding change: c.275A>G on transcript NM_000169.3 (MANE Select); coding-DNA position 275, A replaced by G.
Protein change: p.Asp92Gly; replaces aspartic acid 92 with glycine.
Molecular consequence: missense variant. On other transcripts: non-coding transcript variant (3), intron variant (2).
Genome position (GRCh38, 1-based): chrX:101,403,905, T>C on the plus strand (A>G on the coding strand, the complement: GLA is on the minus strand). VCF-style: chrX-101403905-T-C. GRCh37 (hg19) VCF-style: chrX-100658893-T-C.
Other names: c.275A>G, p.Asp92Gly (NM_001406748.1); c.398A>G, p.Asp133Gly (NM_001406749.1, NM_001406747.1); c.301-8031T>C (NM_001199973.2); c.178-8031T>C (NM_001199974.2); short protein forms D92G, D133G.
Identifiers: ClinVar variation 996270 (VCV000996270.3), dbSNP rs1928406948, ClinGen allele CA413933748.

ClinVar aggregate classification (germline): Pathogenic/Likely pathogenic. Review status: criteria provided, multiple submitters, no conflicts (2 of 4 stars). 2 submissions from 2 submitters: Pathogenic (1); Likely pathogenic (1). Last evaluated 2026-09-08.

Conditions:
Fabry disease. Also called: Ceramide trihexosidosis; CERAMIDE TRIHEXOSIDASE DEFICIENCY; GLA DEFICIENCY; HEREDITARY DYSTOPIC LIPIDOSIS; ALPHA-GALACTOSIDASE A DEFICIENCY; ANDERSON-FABRY DISEASE. Identifiers: Orphanet 324, MedGen C0002986, MONDO:0010526, OMIM 301500, HP:0001071. Disease mechanism: loss of function, Fabry disease is due to inactivating mutations in the X-linked GLA gene resulting in deficiency of the enzyme Alpha Galactosidase-A..

Submissions (2):

Genomenon, Inc
Classification: Pathogenic for Fabry disease. Last evaluated: 2026-09-08. Review status: criteria provided, single submitter. Criteria: Genomenon Sequence Variant Interpretation Standards - Updated. Collection method: curation. Allele origin: germline. Affected: yes.
Comment: GLA p.Asp92Gly (c.275A>G) is a missense variant that changes the amino acid at codon 92 from Aspartic acid to Glycine. This variant has been observed in at least one proband with clinical features consistent with Fabry disease (PMID:18724168). The variant was found to segregate with disease in at least one affected family (PMID:18724168). At least one functional study has demonstrated a substantial alteration in protein function relative to the wild-type (PMID:27657681). This variant is located in a mutational hotspot and/or important functional domain. It is absent or not present at a significant frequency in gnomAD. In silico models predict that this variant is possibly or probably damaging. In conclusion, we classify GLA p.Asp92Gly (c.275A>G) as a pathogenic variant.

Women's Health and Genetics/Laboratory Corporation of America, LabCorp
Classification: Likely pathogenic for Fabry disease. Last evaluated: 2021-01-12. Review status: criteria provided, single submitter. Criteria: LabCorp Variant Classification Summary - May 2015. Collection method: clinical testing. Allele origin: germline.
Comment: Variant summary: GLA c.275A>G (p.Asp92Gly) results in a non-conservative amino acid change in the encoded protein sequence. Five of five in-silico tools predict a damaging effect of the variant on protein function. The variant was absent in 183388 control chromosomes. c.275A>G has been reported in the literature in at-least one family with individuals affected with Fabry Disease (example, Huerva_2008, Barba-Romero_2019). These data indicate that the variant may be associated with disease. At least one publication reports experimental evidence evaluating an impact on protein function. The most pronounced variant effect results in <10% of normal activity in plasma leukocytes (Huerva_2008). No clinical diagnostic laboratories have submitted clinical-significance assessments for this variant to ClinVar after 2014. Based on the evidence outlined above, the variant was classified as likely pathogenic.

Literature cited by the submitters: PubMed 18724168 (cited by Genomenon, Inc and Women's Health and Genetics/Laboratory Corporation of America, LabCorp); PubMed 27657681 (cited by Genomenon, Inc); PubMed 30658922 (cited by Women's Health and Genetics/Laboratory Corporation of America, LabCorp).